The following is an entry in ClinVar:

NM_007294.4(BRCA1):c.5468C>A (p.Ala1823Glu)

Gene: BRCA1 (BRCA1 DNA repair associated; minus strand). Cytogenetic location: 17q21.31.
Variant type: single nucleotide variant.
Coding change: c.5468C>A on transcript NM_007294.4 (MANE Select); coding-DNA position 5468, C replaced by A.
Protein change: p.Ala1823Glu; replaces alanine 1823 with glutamic acid.
Molecular consequence: missense variant. On other transcripts: nonsense (17), non-coding transcript variant (1).
Genome position (GRCh38, 1-based): chr17:43,045,802, G>T on the plus strand (C>A on the coding strand, the complement: BRCA1 is on the minus strand). VCF-style: chr17-43045802-G-T. GRCh37 (hg19) VCF-style: chr17-41197819-G-T.
Other names: c.5324C>A, p.Ala1775Glu (NM_001407747.1, NM_001407748.1, NM_001407749.1 and 18 more transcripts); c.5321C>A, p.Ala1774Glu (NM_001407838.1, NM_001407839.1, NM_001407841.1 and 12 more transcripts); c.5255C>A, p.Ala1752Glu (NM_001407571.1, NM_001407907.1, NM_001407908.1 and 12 more transcripts); c.5534C>A, p.Ala1845Glu (NM_001407581.1, NM_001407582.1); c.5531C>A, p.Ala1844Glu (NM_001407583.1, NM_001407585.1, NM_001407587.1 and 1 more transcripts); c.5528C>A, p.Ala1843Glu (NM_001407590.1, NM_001407591.1); c.5468C>A, p.Ala1823Glu (NM_001407593.1, NM_001407594.1, NM_001407596.1 and 5 more transcripts); c.5465C>A, p.Ala1822Glu (NM_001407614.1, NM_001407615.1, NM_001407616.1 and 14 more transcripts); and 83 more; short protein forms A1776E, A1823E, A1844E, A719E, C694*, A1669E, A1711E, A1712E.
Identifiers: ClinVar variation 864909 (VCV000864909.6), dbSNP rs765681061, ClinGen allele CA10590408.

ClinVar aggregate classification (germline): Uncertain significance (1 of 4 stars; one submission).

Conditions:
Hereditary breast ovarian cancer syndrome. Also called: Hereditary breast and/or ovarian cancer syndrome; BRCA1- and BRCA2-Associated Hereditary Breast and Ovarian Cancer; Hereditary breast and ovarian cancer syndrome; Hereditary breast and ovarian cancer; Hereditary breast and ovarian cancer syndrome (HBOC); Breast and ovarian cancer. Identifiers: Orphanet 145, MedGen C0677776, MeSH D061325, MONDO:0003582. Disease mechanism: loss of function.

Submissions (2):

Labcorp Genetics (formerly Invitae), Labcorp
Classification: Uncertain significance for Hereditary breast ovarian cancer syndrome. Last evaluated: 2023-11-19. Review status: criteria provided, single submitter. Criteria: Invitae Variant Classification Sherloc (09022015). Collection method: clinical testing. Allele origin: germline.
Comment: This sequence change replaces alanine, which is neutral and non-polar, with glutamic acid, which is acidic and polar, at codon 1823 of the BRCA1 protein (p.Ala1823Glu). This variant is not present in population databases (gnomAD no frequency). This variant has not been reported in the literature in individuals affected with BRCA1-related conditions. ClinVar contains an entry for this variant (Variation ID: 864909). Algorithms developed to predict the effect of missense changes on protein structure and function output the following: SIFT: "Not Available"; PolyPhen-2: "Benign"; Align-GVGD: "Not Available". The glutamic acid amino acid residue is found in multiple mammalian species, which suggests that this missense change does not adversely affect protein function. In summary, the available evidence is currently insufficient to determine the role of this variant in disease. Therefore, it has been classified as a Variant of Uncertain Significance.

Brotman Baty Institute, University of Washington
No classification provided (evidence only). Condition: Breast-ovarian cancer, familial 1. Review status: no classification provided. Collection method: in vitro. Allele origin: not applicable. Functional consequence: functionally_normal. Not counted in ClinVar's aggregate classification.
ClinVar note: "not provided" was previously submitted as the classification for the variant. However, the classification appeared to be based only on an observation of functional data so it was converted to no classification on 2025-07-30.